The following is an entry in ClinVar:

NM_172364.5(CACNA2D4):c.1600G>C (p.Asp534His)

Gene: CACNA2D4 (calcium voltage-gated channel auxiliary subunit alpha2delta 4; minus strand). Cytogenetic location: 12p13.33.
Variant type: single nucleotide variant.
Coding change: c.1600G>C on transcript NM_172364.5 (MANE Select); coding-DNA position 1600, G replaced by C.
Protein change: p.Asp534His; replaces aspartic acid 534 with histidine.
Molecular consequence: missense variant.
Genome position (GRCh38, 1-based): chr12:1,879,000, C>G on the plus strand (G>C on the coding strand, the complement: CACNA2D4 is on the minus strand). VCF-style: chr12-1879000-C-G. GRCh37 (hg19) VCF-style: chr12-1988166-C-G.
Other names: short protein forms D534H.
Identifiers: ClinVar variation 1713800 (VCV001713800.5), dbSNP rs764192200, ClinGen allele CA383354073.

ClinVar aggregate classification (germline): Uncertain significance (1 of 4 stars; one submission).

Submission:

Labcorp Genetics (formerly Invitae), Labcorp
Classification: Uncertain significance. Last evaluated: 2022-07-25. Review status: criteria provided, single submitter. Criteria: Invitae Variant Classification Sherloc (09022015). Collection method: clinical testing. Allele origin: germline.
Comment: In summary, the available evidence is currently insufficient to determine the role of this variant in disease. Therefore, it has been classified as a Variant of Uncertain Significance. Algorithms developed to predict the effect of missense changes on protein structure and function are either unavailable or do not agree on the potential impact of this missense change (SIFT: "Deleterious"; PolyPhen-2: "Probably Damaging"; Align-GVGD: "Class C0"). This variant has not been reported in the literature in individuals affected with CACNA2D4-related conditions. This variant is not present in population databases (gnomAD no frequency). This sequence change replaces aspartic acid, which is acidic and polar, with histidine, which is basic and polar, at codon 534 of the CACNA2D4 protein (p.Asp534His).